The following is an entry in ClinVar:

ClinVar aggregate classification (germline): Pathogenic (1 of 4 stars; one submission).

Conditions:
Menkes kinky-hair syndrome (MNK). Also called: Copper transport disease; Menkes Disease; Classic Menkes Disease. Identifiers: Orphanet 565, MedGen C0022716, MONDO:0010651, OMIM 309400.
X-linked distal spinal muscular atrophy type 3. Also called: ATP7A-Related Distal Motor Neuropathy; SPINAL MUSCULAR ATROPHY, DISTAL, X-LINKED RECESSIVE; NEURONOPATHY, DISTAL HEREDITARY MOTOR, X-LINKED; NEUROPATHY, DISTAL HEREDITARY MOTOR, X-LINKED. Identifiers: Orphanet 139557, MedGen C1845359, MONDO:0010338, OMIM 300489.
Cutis laxa, X-linked (OHS). Also called: EDS IX; Occipital horn syndrome. Identifiers: Orphanet 198, MedGen C0268353, MONDO:0010572, OMIM 304150.

Submission:

Labcorp Genetics (formerly Invitae), Labcorp
Classification: Pathogenic for X-linked distal spinal muscular atrophy type 3; Cutis laxa, X-linked; Menkes kinky-hair syndrome. Last evaluated: 2025-10-20. Review status: criteria provided, single submitter. Criteria: Invitae Variant Classification Sherloc (09022015). Collection method: clinical testing. Allele origin: germline.
Comment: This sequence change creates a premature translational stop signal (p.Pro259Glnfs*47) in the ATP7A gene. It is expected to result in an absent or disrupted protein product. Loss-of-function variants in ATP7A are known to be pathogenic (PMID: 11241493, 20652413). This variant is not present in population databases (gnomAD no frequency). This variant has not been reported in the literature in individuals affected with ATP7A-related conditions. ClinVar contains an entry for this variant (Variation ID: 3756741). For these reasons, this variant has been classified as Pathogenic.

Literature cited by the submitters: PubMed 11241493; PubMed 20652413.

NM_000052.7(ATP7A):c.776del (p.Pro259fs)

Gene: ATP7A (ATPase copper transporting alpha; plus strand). Cytogenetic location: Xq21.1.
Variant type: Deletion.
Coding change: c.776del on transcript NM_000052.7 (MANE Select); coding-DNA position 776, one base deleted (C; older notation c.776delC).
Protein change: p.Pro259fs; shifts the reading frame from proline 259.
Molecular consequence: frameshift variant.
Genome position (GRCh38, 1-based): chrX:77,989,398, C deleted; the last of 2 consecutive C bases (chrX:77,989,397-77,989,398); deleting either gives the same sequence. VCF-style (leftmost placement, unchanged base first): chrX-77989396-AC-A. GRCh37 (hg19) VCF-style: chrX-77244892-AC-A.
Other names: c.776del, p.Pro259fs (NM_001282224.2); short protein forms P259fs.
Identifiers: ClinVar variation 3756741 (VCV003756741.2).